The following is an entry in ClinVar:

NM_002029.4(FPR1):c.691C>T (p.Gln231Ter)

Gene: FPR1 (formyl peptide receptor 1; minus strand). Cytogenetic location: 19q13.41.
Variant type: single nucleotide variant.
Coding change: c.691C>T on transcript NM_002029.4 (MANE Select); coding-DNA position 691, C replaced by T.
Protein change: p.Gln231Ter; replaces glutamine 231 with a stop codon.
Molecular consequence: nonsense.
Genome position (GRCh38, 1-based): chr19:51,746,304, G>A on the plus strand (C>T on the coding strand, the complement: FPR1 is on the minus strand). VCF-style: chr19-51746304-G-A. GRCh37 (hg19) VCF-style: chr19-52249557-G-A.
Other names: c.691C>T, p.Gln231Ter (NM_001193306.2); short protein forms Q231*.
Identifiers: ClinVar variation 4762742 (VCV004762742.1).

ClinVar aggregate classification (germline): Uncertain significance (1 of 4 stars; one submission).

Conditions:
Gingival disorder. Also called: Gingival disease. Identifiers: MedGen C0017563, MONDO:0002021.

gnomAD v4.1: 1 of 1,614,180 alleles (0.000062%); highest among the groups gnomAD compares: East Asian, 0.0022%; no homozygotes.

Submission:

Labcorp Genetics (formerly Invitae), Labcorp
Classification: Uncertain significance for Gingival disorder. Last evaluated: 2025-06-03. Review status: criteria provided, single submitter. Criteria: Invitae Variant Classification Sherloc (09022015). Collection method: clinical testing. Allele origin: germline.
Comment: This sequence change creates a premature translational stop signal (p.Gln231*) in the FPR1 gene. While this is not anticipated to result in nonsense mediated decay, it is expected to disrupt the last 120 amino acid(s) of the FPR1 protein. This variant is not present in population databases (gnomAD no frequency). This variant has not been reported in the literature in individuals affected with FPR1-related conditions. Experimental studies and prediction algorithms are not available or were not evaluated, and the functional significance of this variant is currently unknown. Algorithms developed to predict the effect of sequence changes on RNA splicing suggest that this variant may create or strengthen a splice site. In summary, the available evidence is currently insufficient to determine the role of this variant in disease. Therefore, it has been classified as a Variant of Uncertain Significance.